The following is an entry in ClinVar:

NM_213606.4(SLC16A12):c.1441A>C (p.Lys481Gln)

Gene: SLC16A12 (solute carrier family 16 member 12; minus strand). Cytogenetic location: 10q23.31.
Variant type: single nucleotide variant.
Coding change: c.1441A>C on transcript NM_213606.4 (MANE Select); coding-DNA position 1441, A replaced by C.
Protein change: p.Lys481Gln; replaces lysine 481 with glutamine.
Molecular consequence: missense variant.
Genome position (GRCh38, 1-based): chr10:89,433,174, T>G on the plus strand (A>C on the coding strand, the complement: SLC16A12 is on the minus strand). VCF-style: chr10-89433174-T-G. GRCh37 (hg19) VCF-style: chr10-91192931-T-G.
Other names: short protein forms K481Q.
Identifiers: ClinVar variation 2799244 (VCV002799244.3), dbSNP rs1004436880, ClinGen allele CA211411184.

ClinVar aggregate classification (germline): Uncertain significance (1 of 4 stars; one submission).

Allele frequency attached by ClinVar (database versions not stated): gnomAD exomes below 0.00001.
gnomAD v4.1: 2 of 1,614,164 alleles (0.00012%); highest among the groups gnomAD compares: Admixed American, 0.0017%; no homozygotes.

Submission:

Labcorp Genetics (formerly Invitae), Labcorp
Classification: Uncertain significance. Last evaluated: 2023-10-03. Review status: criteria provided, single submitter. Criteria: Invitae Variant Classification Sherloc (09022015). Collection method: clinical testing. Allele origin: germline.
Comment: This sequence change replaces lysine, which is basic and polar, with glutamine, which is neutral and polar, at codon 481 of the SLC16A12 protein (p.Lys481Gln). This variant is not present in population databases (gnomAD no frequency). This variant has not been reported in the literature in individuals affected with SLC16A12-related conditions. An algorithm developed to predict the effect of missense changes on protein structure and function (PolyPhen-2) suggests that this variant is likely to be disruptive. In summary, the available evidence is currently insufficient to determine the role of this variant in disease. Therefore, it has been classified as a Variant of Uncertain Significance.